The following is an entry in ClinVar:

ClinVar aggregate classification (germline): Uncertain significance. Review status: criteria provided, multiple submitters, no conflicts (2 of 4 stars). 3 submissions from 3 submitters: Uncertain significance (3). Last evaluated 2024-05-31.

Conditions:
Myoglobinuria, acute recurrent, autosomal recessive. Also called: RHABDOMYOLYSIS, ACUTE RECURRENT; Myoglobinuria, recurrent, autosomal recessive; MYOGLOBINURIA, FAMILIAL PAROXYSMAL PARALYTIC. Identifiers: Orphanet 99845, MedGen C1849386, MONDO:0009992, OMIM 268200.
Inborn genetic diseases. Identifiers: MedGen C0950123, MeSH D030342.

Allele frequency attached by ClinVar (database versions not stated): gnomAD exomes below 0.00001; ExAC 0.00001; gnomAD 0.00003; TOPMed 0.00005.
gnomAD v4.1: 9 of 1,614,024 alleles (0.00056%); highest among the groups gnomAD compares: African/African-American, 0.008%; no homozygotes.

Submissions (3):

Fulgent Genetics
Classification: Uncertain significance for Myoglobinuria, acute recurrent, autosomal recessive. Last evaluated: 2024-05-31. Review status: criteria provided, single submitter. Criteria: ACMG Guidelines, 2015. Collection method: clinical testing. Allele origin: germline.

Labcorp Genetics (formerly Invitae), Labcorp
Classification: Uncertain significance. Last evaluated: 2022-07-13. Review status: criteria provided, single submitter. Criteria: Invitae Variant Classification Sherloc (09022015). Collection method: clinical testing. Allele origin: germline.
Comment: This sequence change replaces arginine, which is basic and polar, with isoleucine, which is neutral and non-polar, at codon 299 of the LPIN1 protein (p.Arg299Ile). This variant is present in population databases (rs769969000, gnomAD 0.009%). This variant has not been reported in the literature in individuals affected with LPIN1-related conditions. Algorithms developed to predict the effect of missense changes on protein structure and function are either unavailable or do not agree on the potential impact of this missense change (SIFT: "Deleterious"; PolyPhen-2: "Benign"; Align-GVGD: "Class C15"). In summary, the available evidence is currently insufficient to determine the role of this variant in disease. Therefore, it has been classified as a Variant of Uncertain Significance.

Ambry Genetics
Classification: Uncertain significance for Inborn genetic diseases. Last evaluated: 2022-01-31. Review status: criteria provided, single submitter. Criteria: Ambry Variant Classification Scheme 2023. Collection method: clinical testing. Allele origin: germline.

NM_001349206.2(LPIN1):c.1004G>T (p.Arg335Ile)

Gene: LPIN1 (lipin 1; plus strand). Cytogenetic location: 2p25.1.
Variant type: single nucleotide variant.
Coding change: c.1004G>T on transcript NM_001349206.2 (MANE Select); coding-DNA position 1004, G replaced by T.
Protein change: p.Arg335Ile; replaces arginine 335 with isoleucine.
Molecular consequence: missense variant. On other transcripts: non-coding transcript variant (1).
Genome position (GRCh38, 1-based): chr2:11,782,247, G>T. VCF-style: chr2-11782247-G-T. GRCh37 (hg19) VCF-style: chr2-11922373-G-T.
Other names: c.914G>T, p.Arg305Ile (NM_001261427.3); c.1151G>T, p.Arg384Ile (NM_001261428.3); c.896G>T, p.Arg299Ile (NM_001349199.2, NM_001349200.2, NM_001349201.2 and 1 more transcripts); c.1001G>T, p.Arg334Ile (NM_001349202.2, NM_001349203.2); c.1004G>T, p.Arg335Ile (NM_001349204.2, NM_001349205.2); c.1094G>T, p.Arg365Ile (NM_001349207.2); c.1043G>T, p.Arg348Ile (NM_001349208.2); c.896G>T (NM_145693.1); short protein forms R335I, R348I, R299I, R384I, R334I, R365I, R305I.
Identifiers: ClinVar variation 2198951 (VCV002198951.3), dbSNP rs769969000, ClinGen allele CA1533579.
Genomic context (GRCh38, chr2:11,782,247, plus strand): 5'-CCTCTTTGCTCTAGTCTTCTTCTCCACACAAGATGAAAGAGTCCAGCCCATTGAGCAGTA[G>T]AAAAATTTGTGATAAAAGTCACTTTCAGGCCATTCACAGCGAATCTTCAGACACTTTTAG-3'
Protein context (NP_001336135.1, residues 325-345): KMKESSPLSS[Arg335Ile]KICDKSHFQA